The following is an entry in ClinVar:

NM_000152.5(GAA):c.1654C>T (p.Leu552Phe)

Gene: GAA (alpha glucosidase; plus strand). Cytogenetic location: 17q25.3.
Variant type: single nucleotide variant.
Coding change: c.1654C>T on transcript NM_000152.5 (MANE Select); coding-DNA position 1654, C replaced by T.
Protein change: p.Leu552Phe; replaces leucine 552 with phenylalanine.
Molecular consequence: missense variant.
Genome position (GRCh38, 1-based): chr17:80,112,000, C>T. VCF-style: chr17-80112000-C-T. GRCh37 (hg19) VCF-style: chr17-78085799-C-T.
Other names: c.1654C>T, p.Leu552Phe (NM_001079803.3, NM_001079804.3, NM_001406741.1 and 1 more transcripts); short protein forms L552F.
Identifiers: ClinVar variation 2977309 (VCV002977309.3), dbSNP rs144957920, ClinGen allele CA401368813.

ClinVar aggregate classification (germline): Likely pathogenic (1 of 4 stars; one submission).

Conditions:
Glycogen storage disease, type II (IOPD). Also called: POMPE DISEASE, INFANTILE-ONSET; GLYCOGEN STORAGE DISEASE II, INFANTILE-ONSET; ACID ALPHA-GLUCOSIDASE DEFICIENCY, INFANTILE-ONSET; GAA DEFICIENCY, INFANTILE-ONSET; ACID MALTASE DEFICIENCY, INFANTILE-ONSET; Glucosidase acid-1,4-alpha deficiency. Identifiers: Orphanet 365, MedGen C0017921, MONDO:0009290, OMIM 232300.

Allele frequency attached by ClinVar (database versions not stated): gnomAD exomes below 0.00001.
gnomAD v4.1: 1 of 1,613,812 alleles (0.000062%); highest among the groups gnomAD compares: Non-Finnish European, 0.000085%; no homozygotes.

Submission:

Labcorp Genetics (formerly Invitae), Labcorp
Classification: Likely pathogenic for Glycogen storage disease, type II. Last evaluated: 2023-11-22. Review status: criteria provided, single submitter. Criteria: Invitae Variant Classification Sherloc (09022015). Collection method: clinical testing. Allele origin: germline.
Comment: This sequence change replaces leucine, which is neutral and non-polar, with phenylalanine, which is neutral and non-polar, at codon 552 of the GAA protein (p.Leu552Phe). This variant is not present in population databases (gnomAD no frequency). This variant has not been reported in the literature in individuals affected with GAA-related conditions. Advanced modeling of protein sequence and biophysical properties (such as structural, functional, and spatial information, amino acid conservation, physicochemical variation, residue mobility, and thermodynamic stability) performed at Invitae indicates that this missense variant is expected to disrupt GAA protein function with a positive predictive value of 95%. This variant disrupts the p.Leu552 amino acid residue in GAA. Other variant(s) that disrupt this residue have been determined to be pathogenic (PMID: 14695532, 17213836, 17616415, 18607768, 19588081, 19862843, 20638881, 24158270, 25036864, 25409744, 25681614, 27666774). This suggests that this residue is clinically significant, and that variants that disrupt this residue are likely to be disease-causing. In summary, the currently available evidence indicates that the variant is pathogenic, but additional data are needed to prove that conclusively. Therefore, this variant has been classified as Likely Pathogenic.

Literature cited by the submitters: PubMed 14695532; PubMed 17213836; PubMed 17616415; PubMed 18607768; PubMed 19588081; PubMed 19862843; PubMed 20638881; PubMed 24158270; PubMed 25036864; PubMed 25409744; PubMed 25681614; PubMed 27666774.